The following is an entry in ClinVar:

NM_001039141.3(TRIOBP):c.5944C>T (p.Arg1982Cys)

Gene: TRIOBP (TRIO and F-actin binding protein; plus strand). Cytogenetic location: 22q13.1.
Variant type: single nucleotide variant.
Coding change: c.5944C>T on transcript NM_001039141.3 (MANE Select); coding-DNA position 5944, C replaced by T.
Protein change: p.Arg1982Cys; replaces arginine 1982 with cysteine.
Molecular consequence: missense variant.
Genome position (GRCh38, 1-based): chr22:37,757,869, C>T. VCF-style: chr22-37757869-C-T. GRCh37 (hg19) VCF-style: chr22-38153876-C-T.
Other names: c.805C>T, p.Arg269Cys (NM_007032.5, NM_138632.2); short protein forms R1982C, R269C.
Identifiers: ClinVar variation 1331142 (VCV001331142.3), dbSNP rs752462357, ClinGen allele CA10224853.
Genomic context (GRCh38, chr22:37,757,869, plus strand): 5'-CCAGCCCGCACTCCTGACCGCCTGGCCAAGCAGGAGGAGCTGGAGCGGGACCTGGCCCAG[C>T]GCTCCGAGGAGCGGCGCAAGTGGTTTGAGGCCACAGACAGCAGGACCCCAGAGGTGCCTG-3'
Protein context (NP_001034230.1, residues 1972-1992): QEELERDLAQ[Arg1982Cys]SEERRKWFEA

ClinVar aggregate classification (germline): Uncertain significance. Review status: criteria provided, multiple submitters, no conflicts (2 of 4 stars). 2 submissions from 2 submitters: Uncertain significance (2). Last evaluated 2026-06-30.

Conditions:
TRIOBP-related disorder. Also called: TRIOBP-related condition.

gnomAD v4.1: 12 of 1,552,564 alleles (0.00077%); highest among the groups gnomAD compares: South Asian, 0.0071%; 1 homozygote.

Submissions (2):

PreventionGenetics, part of Exact Sciences
Classification: Uncertain significance for TRIOBP-related condition. Last evaluated: 2026-06-30. Review status: criteria provided, single submitter. Criteria: ACMG Guidelines, 2015. Collection method: clinical testing. Allele origin: germline.
Comment: The TRIOBP c.5944C>T variant is predicted to result in the amino acid substitution p.Arg1982Cys. This variant has been reported in cohort studies of individuals with autism spectrum disorder (Supplementary Table 20, Reported as 22:37757869:C:T via hg38, Fu et al. 2022. PubMed ID: 35982160; Supplementary Data 1, Zhou et al. 2022. PubMed ID: 35982159). This variant is reported in 0.0087% of alleles in individuals of South Asian descent in gnomAD. At this time, the clinical significance of this variant is uncertain due to the absence of conclusive functional and genetic evidence.

GeneDx
Classification: Uncertain significance. Last evaluated: 2021-06-29. Review status: criteria provided, single submitter. Criteria: GeneDx Variant Classification Process June 2021. Collection method: clinical testing. Allele origin: germline. Affected: yes.
Comment: In silico analysis supports that this missense variant has a deleterious effect on protein structure/function; Has not been previously published as pathogenic or benign to our knowledge; This variant is associated with the following publications: (PMID: 27535533)